The following is an entry in ClinVar:

NM_022437.3(ABCG8):c.361C>T (p.Arg121Ter)

Gene: ABCG8 (ATP binding cassette subfamily G member 8; plus strand). Cytogenetic location: 2p21.
Variant type: single nucleotide variant.
Coding change: c.361C>T on transcript NM_022437.3 (MANE Select); coding-DNA position 361, C replaced by T.
Protein change: p.Arg121Ter; replaces arginine 121 with a stop codon.
Molecular consequence: nonsense.
Genome position (GRCh38, 1-based): chr2:43,851,622, C>T. VCF-style: chr2-43851622-C-T. GRCh37 (hg19) VCF-style: chr2-44078761-C-T.
Other names: c.361C>T, p.Arg121Ter (NM_001357321.2); short protein forms R121*.
Identifiers: ClinVar variation 2733772 (VCV002733772.7), dbSNP rs375005392, ClinGen allele CA1636994.
Genomic context (GRCh38, chr2:43,851,622, plus strand): 5'-GATATCCCTGGTGGCTTTGCAGGTTGTGGGAGAGCCTCCTTGCTAGATGTGATCACTGGC[C>T]GAGGTCACGGCGGCAAGATCAAGTCAGGCCAGATCTGGATCAATGGGCAGCCCAGCTCGC-3'

ClinVar aggregate classification (germline): Pathogenic. Review status: criteria provided, multiple submitters, no conflicts (2 of 4 stars). 4 submissions from 4 submitters: Pathogenic (4). Last evaluated 2026-04-27.

Conditions:
ABCG8-related disorder. Also called: ABCG8-related condition.
Sitosterolemia 1. Identifiers: MedGen C2749759, MONDO:0020747, OMIM 210250.
Gallbladder disease 4 (GBD4). Identifiers: MedGen C1969115, MONDO:1010151, OMIM 611465.
Cardiovascular phenotype. Identifiers: MedGen CN230736.

Allele frequency attached by ClinVar (database versions not stated): ESP Exome Variant Server 0.00008.

Submissions (4):

Ambry Genetics
Classification: Pathogenic for Cardiovascular phenotype. Last evaluated: 2026-04-27. Review status: criteria provided, single submitter. Criteria: Ambry Variant Classification Scheme 2023. Collection method: clinical testing. Allele origin: germline.
Comment: The p.R121* pathogenic mutation (also known as c.361C>T), located in coding exon 4 of the ABCG8 gene, results from a C to T substitution at nucleotide position 361. This changes the amino acid from an arginine to a stop codon within coding exon 4. This variant was reported in individual(s) with features consistent with hypercholesterolemia (Reeskamp LF et al. J Clin Lipidol, 2020 Jan;14:207-217.e7). This variant is considered to be rare based on population cohorts in the Genome Aggregation Database (gnomAD). This alteration is expected to result in loss of function by premature protein truncation or nonsense-mediated mRNA decay. As such, this alteration is interpreted as a disease-causing mutation.

Labcorp Genetics (formerly Invitae), Labcorp
Classification: Pathogenic. Last evaluated: 2026-01-04. Review status: criteria provided, single submitter. Criteria: Invitae Variant Classification Sherloc (09022015). Collection method: clinical testing. Allele origin: germline.
Comment: This sequence change creates a premature translational stop signal (p.Arg121*) in the ABCG8 gene. It is expected to result in an absent or disrupted protein product. Loss-of-function variants in ABCG8 are known to be pathogenic (PMID: 11452359, 15375183, 16029460). This variant is present in population databases (rs375005392, gnomAD 0.01%). This premature translational stop signal has been observed in individual(s) with ABCG8-related conditions (PMID: 11452359, 32088153). ClinVar contains an entry for this variant (Variation ID: 2733772). For these reasons, this variant has been classified as Pathogenic.

PreventionGenetics, part of Exact Sciences
Classification: Pathogenic for ABCG8-related condition. Last evaluated: 2025-10-14. Review status: criteria provided, single submitter. Criteria: ACMG Guidelines, 2015. Collection method: clinical testing. Allele origin: germline.
Comment: The ABCG8 c.361C>T variant is predicted to result in premature protein termination (p.Arg121*). This variant has been reported in the homozygous and compound heterozygous state in patients with sitosterolaemia (Lu et al. 2001. PubMed ID: 11452359) and familial hypercholesterolemia (Reeskamp et al. 2020. PubMed ID: 32088153). This variant is reported in 0.0098% of alleles in individuals of South Asian descent in gnomAD. Nonsense variants in ABCG8 are expected to be pathogenic. This variant is interpreted as pathogenic.

Juno Genomics, Hangzhou Juno Genomics, Inc
Classification: Pathogenic for Sitosterolemia 1; Gallbladder disease 4. Review status: criteria provided, single submitter. Criteria: ACMG Guidelines, 2015. Collection method: clinical testing. Allele origin: germline.
Comment: Absent from controls (or at extremely low frequency if recessive) in Genome Aggregation Database.;Null variant in a gene where loss of function (LOF) is a known mechanism of disease.;For recessive disorders, detected in trans with a pathogenic variant.

Literature cited by the submitters: PubMed 32088153 (cited by Ambry Genetics and Labcorp Genetics (formerly Invitae), Labcorp); PubMed 11452359 (cited by Labcorp Genetics (formerly Invitae), Labcorp); PubMed 15375183 (cited by Labcorp Genetics (formerly Invitae), Labcorp); PubMed 16029460 (cited by Labcorp Genetics (formerly Invitae), Labcorp).